The following is an entry in ClinVar:

NM_030928.4(CDT1):c.1201G>A (p.Ala401Thr)

Gene: CDT1 (chromatin licensing and DNA replication factor 1; plus strand). Cytogenetic location: 16q24.3.
Variant type: single nucleotide variant.
Coding change: c.1201G>A on transcript NM_030928.4 (MANE Select); coding-DNA position 1201, G replaced by A.
Protein change: p.Ala401Thr; replaces alanine 401 with threonine.
Molecular consequence: missense variant.
Genome position (GRCh38, 1-based): chr16:88,807,129, G>A. VCF-style: chr16-88807129-G-A. GRCh37 (hg19) VCF-style: chr16-88873537-G-A.
Other names: short protein forms A401T.
Identifiers: ClinVar variation 1925714 (VCV001925714.5), dbSNP rs139927650, ClinGen allele CA8234047.

ClinVar aggregate classification (germline): Uncertain significance (1 of 4 stars; one submission).

Allele frequency attached by ClinVar (database versions not stated): ExAC 0.00001; gnomAD 0.00001; gnomAD exomes 0.00001; TOPMed 0.00001; ESP Exome Variant Server 0.00008.

Submission:

Labcorp Genetics (formerly Invitae), Labcorp
Classification: Uncertain significance. Last evaluated: 2021-12-22. Review status: criteria provided, single submitter. Criteria: Invitae Variant Classification Sherloc (09022015). Collection method: clinical testing. Allele origin: germline.
Comment: This sequence change replaces alanine, which is neutral and non-polar, with threonine, which is neutral and polar, at codon 401 of the CDT1 protein (p.Ala401Thr). In summary, the available evidence is currently insufficient to determine the role of this variant in disease. Therefore, it has been classified as a Variant of Uncertain Significance. Algorithms developed to predict the effect of missense changes on protein structure and function (SIFT, PolyPhen-2, Align-GVGD) all suggest that this variant is likely to be tolerated. This variant has not been reported in the literature in individuals affected with CDT1-related conditions. This variant is present in population databases (rs139927650, gnomAD 0.0009%).